The following is an entry in ClinVar:

NM_020831.6(MRTFA):c.1255A>G (p.Ser419Gly)

Gene: MRTFA (myocardin related transcription factor A; minus strand). Cytogenetic location: 22q13.1.
Variant type: single nucleotide variant.
Coding change: c.1255A>G on transcript NM_020831.6 (MANE Select); coding-DNA position 1255, A replaced by G.
Protein change: p.Ser419Gly; replaces serine 419 with glycine.
Molecular consequence: missense variant.
Genome position (GRCh38, 1-based): chr22:40,420,503, T>C on the plus strand (A>G on the coding strand, the complement: MRTFA is on the minus strand). VCF-style: chr22-40420503-T-C. GRCh37 (hg19) VCF-style: chr22-40816507-T-C.
Other names: c.955A>G, p.Ser319Gly (NM_001282660.2); c.1105A>G, p.Ser369Gly (NM_001282661.3); c.1255A>G, p.Ser419Gly (NM_001282662.3); c.1060A>G, p.Ser354Gly (NM_001318139.2); short protein forms S319G, S354G, S369G, S419G.
Identifiers: ClinVar variation 1683100 (VCV001683100.8), dbSNP rs527795508, ClinGen allele CA411663552.

ClinVar aggregate classification (germline): Uncertain significance (1 of 4 stars; one submission).

Allele frequency attached by ClinVar (database versions not stated): gnomAD exomes below 0.00001 and 0.00001.
gnomAD v4.1: 10 of 1,613,784 alleles (0.00062%); highest among the groups gnomAD compares: Non-Finnish European, 0.00051%; no homozygotes.

Submission:

Labcorp Genetics (formerly Invitae), Labcorp
Classification: Uncertain significance. Last evaluated: 2023-10-24. Review status: criteria provided, single submitter. Criteria: Invitae Variant Classification Sherloc (09022015). Collection method: clinical testing. Allele origin: germline.
Comment: This sequence change replaces serine, which is neutral and polar, with glycine, which is neutral and non-polar, at codon 319 of the MKL1 protein (p.Ser319Gly). This variant is present in population databases (no rsID available, gnomAD 0.0009%). This variant has not been reported in the literature in individuals affected with MKL1-related conditions. ClinVar contains an entry for this variant (Variation ID: 1683100). Algorithms developed to predict the effect of missense changes on protein structure and function output the following: SIFT: "Not Available"; PolyPhen-2: "Benign"; Align-GVGD: "Not Available". The glycine amino acid residue is found in multiple mammalian species, which suggests that this missense change does not adversely affect protein function. In summary, the available evidence is currently insufficient to determine the role of this variant in disease. Therefore, it has been classified as a Variant of Uncertain Significance.